The following is an entry in ClinVar:

NM_002474.3(MYH11):c.4798G>A (p.Glu1600Lys)

Genes: MYH11 (myosin heavy chain 11; minus strand), NDE1 (nudE neurodevelopment protein 1; plus strand). Cytogenetic location: 16p13.11.
Variant type: single nucleotide variant.
Coding change: c.4798G>A on transcript NM_002474.3 (MANE Select); coding-DNA position 4798, G replaced by A.
Protein change: p.Glu1600Lys; replaces glutamic acid 1600 with lysine.
Molecular consequence: missense variant. On other transcripts: intron variant (2).
Genome position (GRCh38, 1-based): chr16:15,720,306, C>T on the plus strand (G>A on the coding strand, the complement: MYH11 is on the minus strand). VCF-style: chr16-15720306-C-T. GRCh37 (hg19) VCF-style: chr16-15814163-C-T.
Other names: c.4798G>A (NM_002474.2); c.4819G>A, p.Glu1607Lys (NM_001040113.2, NM_001040114.2); c.4798G>A, p.Glu1600Lys (NM_022844.3); c.948-3885C>T (NM_001143979.2, NM_017668.3); short protein forms E1607K, E1600K.
Identifiers: ClinVar variation 918202 (VCV000918202.8), dbSNP rs761463510, ClinGen allele CA7921535.
Genomic context (GRCh38, chr16:15,720,306, plus strand): 5'-TCTTTGCTGCAGCTGCCAGGGCACGTTGCTTTCGCTCGTCTTCCAGTTCCGTCTCATACT[C>T]GTGAAGCTGGGCGAGGAATAGAGATGTGTGCTGCCCCACTTGCCCCTGGGAGGTCCTTTG-3'
Protein context (NP_002465.1, residues 1590-1610): KRRQLQRQLH[Glu1600Lys]YETELEDERK

ClinVar aggregate classification (germline): Uncertain significance. Review status: criteria provided, multiple submitters, no conflicts (2 of 4 stars). 3 submissions from 3 submitters: Uncertain significance (3). Last evaluated 2025-12-11.

Conditions:
Familial thoracic aortic aneurysm and aortic dissection (TAAD). Also called: Thoracic aortic aneurysms and dissections. Identifiers: Orphanet 91387, MedGen C4707243, MONDO:0019625.

Allele frequency attached by ClinVar (database versions not stated): gnomAD exomes 0.00001 and 0.00002; ExAC 0.00002.

Submissions (3):

Ambry Genetics
Classification: Uncertain significance for Familial thoracic aortic aneurysm and aortic dissection. Last evaluated: 2025-12-11. Review status: criteria provided, single submitter. Criteria: Ambry Variant Classification Scheme 2023. Collection method: clinical testing. Allele origin: germline.
Comment: The p.E1600K variant (also known as c.4798G>A), located in coding exon 33 of the MYH11 gene, results from a G to A substitution at nucleotide position 4798. The glutamic acid at codon 1600 is replaced by lysine, an amino acid with similar properties. This amino acid position is highly conserved in available vertebrate species. In addition, this alteration is predicted to be deleterious by in silico analysis. Based on the available evidence, the clinical significance of this variant remains unclear.

Color Diagnostics, LLC DBA Color Health
Classification: Uncertain significance for Familial thoracic aortic aneurysm and aortic dissection. Last evaluated: 2024-03-06. Review status: criteria provided, single submitter. Criteria: ACMG Guidelines, 2015. Collection method: clinical testing. Allele origin: germline.
Comment: This missense variant replaces glutamic acid with lysine at codon 1607 of the MYH11 protein. Computational prediction suggests that this variant may have deleterious impact on protein structure and function (internally defined REVEL score threshold >= 0.7, PMID: 27666373). To our knowledge, functional studies have not been reported for this variant. This variant has not been reported in individuals affected with MYH11-related disorders in the literature. This variant has been identified in 5/250758 chromosomes in the general population by the Genome Aggregation Database (gnomAD). The available evidence is insufficient to determine the role of this variant in disease conclusively. Therefore, this variant is classified as a Variant of Uncertain Significance.

All of Us Research Program, National Institutes of Health
Classification: Uncertain significance for Familial thoracic aortic aneurysm and aortic dissection. Last evaluated: 2023-11-20. Review status: criteria provided, single submitter. Criteria: ACMG Guidelines, 2015. Collection method: clinical testing. Allele origin: germline. Inheritance: Autosomal dominant inheritance. Observed: 1 variant allele, 1 heterozygote.
Comment: This missense variant replaces glutamic acid with lysine at codon 1607 of the MYH11 protein. Computational prediction suggests that this variant may have deleterious impact on protein structure and function (internally defined REVEL score threshold >= 0.7, PMID: 27666373). To our knowledge, functional studies have not been reported for this variant. This variant has not been reported in individuals affected with cardiovascular disorders in the literature. This variant has been identified in 5/250758 chromosomes in the general population by the Genome Aggregation Database (gnomAD). The available evidence is insufficient to determine the role of this variant in disease conclusively. Therefore, this variant is classified as a Variant of Uncertain Significance.

This study involves interpretation of variants in research participants for the purpose of population health screening. Participant phenotype was not available at the time of variant classification. Additional details can be found in publication PMID: 35346344, PMCID: PMC8962531